The following is an entry in ClinVar:

ClinVar aggregate classification (germline): Conflicting classifications of pathogenicity. Review status: criteria provided, conflicting classifications (1 of 4 stars). 2 submissions from 2 submitters: Uncertain significance (1); Likely benign (1). Last evaluated 2025-02-25.

Submissions (2):

GeneDx
Classification: Uncertain significance. Last evaluated: 2025-02-25. Review status: criteria provided, single submitter. Criteria: GeneDx Variant Classification Process June 2021. Collection method: clinical testing. Allele origin: germline. Affected: yes.
Comment: In silico analysis supports that this missense variant has a deleterious effect on protein structure/function; In silico analysis is inconclusive as to whether the variant alters gene splicing. In the absence of RNA/functional studies, the actual effect of this sequence change is unknown.; Has not been previously published as pathogenic or benign to our knowledge; Reported using an alternate transcript of the gene

Blueprint Genetics
Classification: Likely benign. Last evaluated: 2022-06-09. Review status: criteria provided, single submitter. Criteria: ACMG Guidelines, 2015. Collection method: clinical testing. Allele origin: germline.

NM_001382567.1(STIM1):c.1634+197G>A

Gene: STIM1 (stromal interaction molecule 1; plus strand). Cytogenetic location: 11p15.4.
Variant type: single nucleotide variant.
Coding change: c.1634+197G>A on transcript NM_001382567.1 (MANE Select); 197 bases into the intron after coding-DNA position 1634, G replaced by A.
Molecular consequence: intron variant. On other transcripts: missense variant (2).
Genome position (GRCh38, 1-based): chr11:4,086,740, G>A. VCF-style: chr11-4086740-G-A. GRCh37 (hg19) VCF-style: chr11-4107970-G-A.
Other names: c.1738G>A, p.Val580Ile (NM_001277961.3); c.1516G>A, p.Val506Ile (NM_001382566.1); c.1319+197G>A (NM_001382578.1, NM_001382575.1, NM_001382576.1 and 2 more transcripts); c.1052+197G>A (NM_001382580.1, NM_001382581.1); c.1562+197G>A (NM_001382568.1); c.1541+197G>A (NM_001277962.2, NM_003156.4); c.1313+197G>A (NM_001382570.1); c.1406+197G>A (NM_001382569.1); and 1 more; short protein forms V506I, V580I.
Identifiers: ClinVar variation 4076585 (VCV004076585.2).